The following is an entry in ClinVar:

ClinVar aggregate classification (germline): Uncertain significance. Review status: criteria provided, multiple submitters, no conflicts (2 of 4 stars). 2 submissions from 2 submitters: Uncertain significance (2). Last evaluated 2024-08-26.

Allele frequency attached by ClinVar (database versions not stated): ExAC 0.00001.
gnomAD v4.1: 2 of 1,612,506 alleles (0.00012%); highest among the groups gnomAD compares: South Asian, 0.0011%; no homozygotes.

Submissions (2):

Ambry Genetics
Classification: Uncertain significance. Last evaluated: 2024-08-26. Review status: criteria provided, single submitter. Criteria: Ambry Variant Classification Scheme 2023. Collection method: clinical testing. Allele origin: germline.

Labcorp Genetics (formerly Invitae), Labcorp
Classification: Uncertain significance. Last evaluated: 2022-07-11. Review status: criteria provided, single submitter. Criteria: Invitae Variant Classification Sherloc (09022015). Collection method: clinical testing. Allele origin: germline.
Comment: This variant has not been reported in the literature in individuals affected with IFT88-related conditions. Algorithms developed to predict the effect of missense changes on protein structure and function are either unavailable or do not agree on the potential impact of this missense change (SIFT: "Not Available"; PolyPhen-2: "Benign"; Align-GVGD: "Not Available"). In summary, the available evidence is currently insufficient to determine the role of this variant in disease. Therefore, it has been classified as a Variant of Uncertain Significance. This sequence change replaces valine, which is neutral and non-polar, with methionine, which is neutral and non-polar, at codon 51 of the IFT88 protein (p.Val51Met). This variant is present in population databases (rs766887846, gnomAD 0.0009%).

NM_006531.5(IFT88):c.124G>A (p.Val42Met)

Gene: IFT88 (intraflagellar transport 88; plus strand). Cytogenetic location: 13q12.11.
Variant type: single nucleotide variant.
Coding change: c.124G>A on transcript NM_006531.5 (MANE Select); coding-DNA position 124, G replaced by A.
Protein change: p.Val42Met; replaces valine 42 with methionine.
Molecular consequence: missense variant. On other transcripts: 5 prime UTR variant (1), non-coding transcript variant (5).
Genome position (GRCh38, 1-based): chr13:20,582,990, G>A. VCF-style: chr13-20582990-G-A. GRCh37 (hg19) VCF-style: chr13-21157129-G-A.
Other names: c.151G>A (NM_175605.3); c.124G>A, p.Val42Met (NM_001318491.2, NM_001353568.2, NM_001353571.2 and 5 more transcripts); c.151G>A, p.Val51Met (NM_001318493.2, NM_001353565.2, NM_001353566.2 and 6 more transcripts); c.-440G>A (NM_001353579.2); short protein forms V42M, V51M.
Identifiers: ClinVar variation 1994369 (VCV001994369.5), dbSNP rs766887846, ClinGen allele CA6904945.